The following is an entry in ClinVar:

NM_006015.6(ARID1A):c.2268C>A (p.Asn756Lys)

Gene: ARID1A (AT-rich interaction domain 1A; plus strand). Cytogenetic location: 1p36.11.
Variant type: single nucleotide variant.
Coding change: c.2268C>A on transcript NM_006015.6 (MANE Select); coding-DNA position 2268, C replaced by A.
Protein change: p.Asn756Lys; replaces asparagine 756 with lysine.
Molecular consequence: missense variant.
Genome position (GRCh38, 1-based): chr1:26,762,168, C>A. VCF-style: chr1-26762168-C-A. GRCh37 (hg19) VCF-style: chr1-27088659-C-A.
Other names: c.2268C>A, p.Asn756Lys (NM_139135.4); short protein forms N756K.
Identifiers: ClinVar variation 1306555 (VCV001306555.2), dbSNP rs2080998323, ClinGen allele CA339155106.

ClinVar aggregate classification (germline): Uncertain significance (1 of 4 stars; one submission).

Allele frequency attached by ClinVar (database versions not stated): gnomAD exomes below 0.00001; TOPMed below 0.00001; gnomAD 0.00001.
gnomAD v4.1: 7 of 1,612,638 alleles (0.00043%); highest among the groups gnomAD compares: Non-Finnish European, 0.00059%; no homozygotes.

Submission:

GeneDx
Classification: Uncertain significance. Last evaluated: 2019-06-17. Review status: criteria provided, single submitter. Criteria: GeneDx Variant Classification Process June 2021. Collection method: clinical testing. Allele origin: germline. Affected: yes.
Comment: Not observed in large population cohorts (Lek et al., 2016); In silico analysis, which includes protein predictors and evolutionary conservation, supports a deleterious effect; Has not been previously published as pathogenic or benign to our knowledge